The following is an entry in ClinVar:

NM_000081.4(LYST):c.5707G>A (p.Asp1903Asn)

Gene: LYST (lysosomal trafficking regulator; minus strand). Cytogenetic location: 1q42.3.
Variant type: single nucleotide variant.
Coding change: c.5707G>A on transcript NM_000081.4 (MANE Select); coding-DNA position 5707, G replaced by A.
Protein change: p.Asp1903Asn; replaces aspartic acid 1903 with asparagine.
Molecular consequence: missense variant.
Genome position (GRCh38, 1-based): chr1:235,773,919, C>T on the plus strand (G>A on the coding strand, the complement: LYST is on the minus strand). VCF-style: chr1-235773919-C-T. GRCh37 (hg19) VCF-style: chr1-235937219-C-T.
Other names: c.5707G>A (NM_000081.2); c.5707G>A, p.Asp1903Asn (NM_001301365.1); short protein forms D1903N.
Identifiers: ClinVar variation 952170 (VCV000952170.10), dbSNP rs1484438477, ClinGen allele CA344950478.
Genomic context (GRCh38, chr1:235,773,919, plus strand): 5'-TCTTCCAGTCAAGCAATAGTTCCTCTAACAGCTTAACATCTTGGATTATAGCATTAGAGT[C>T]TACATCCAACTTAAACTCTCCATTCTCATTCATATAAATAATATCTTCACCACAGCATCC-3'
Protein context (NP_000072.2, residues 1893-1913): NENGEFKLDV[Asp1903Asn]SNAIIQDVKL

ClinVar aggregate classification (germline): Uncertain significance. Review status: criteria provided, multiple submitters, no conflicts (2 of 4 stars). 2 submissions from 2 submitters: Uncertain significance (2). Last evaluated 2024-12-04.

Conditions:
Inborn genetic diseases. Identifiers: MedGen C0950123, MeSH D030342.
Chédiak-Higashi syndrome (CHS). Also called: Chediak-Higashi Syndrome. Identifiers: Orphanet 167, MedGen C0007965, MONDO:0008963, OMIM 214500.

Allele frequency attached by ClinVar (database versions not stated): gnomAD exomes 0.00001.
gnomAD v4.1: 8 of 1,600,642 alleles (0.0005%); highest among the groups gnomAD compares: Non-Finnish European, 0.00069%; no homozygotes.

Submissions (2):

Ambry Genetics
Classification: Uncertain significance for Inborn genetic diseases. Last evaluated: 2024-12-04. Review status: criteria provided, single submitter. Criteria: Ambry Variant Classification Scheme 2023. Collection method: clinical testing. Allele origin: germline.

Labcorp Genetics (formerly Invitae), Labcorp
Classification: Uncertain significance for Chédiak-Higashi syndrome. Last evaluated: 2024-10-07. Review status: criteria provided, single submitter. Criteria: Invitae Variant Classification Sherloc (09022015). Collection method: clinical testing. Allele origin: germline.
Comment: This sequence change replaces aspartic acid, which is acidic and polar, with asparagine, which is neutral and polar, at codon 1903 of the LYST protein (p.Asp1903Asn). This variant is present in population databases (no rsID available, gnomAD 0.0009%). This variant has not been reported in the literature in individuals affected with LYST-related conditions. ClinVar contains an entry for this variant (Variation ID: 952170). Invitae Evidence Modeling of protein sequence and biophysical properties (such as structural, functional, and spatial information, amino acid conservation, physicochemical variation, residue mobility, and thermodynamic stability) indicates that this missense variant is not expected to disrupt LYST protein function with a negative predictive value of 80%. In summary, the available evidence is currently insufficient to determine the role of this variant in disease. Therefore, it has been classified as a Variant of Uncertain Significance.